The following is an entry in ClinVar:

NM_016938.5(EFEMP2):c.1036C>T (p.Arg346Cys)

Gene: EFEMP2 (EGF containing fibulin extracellular matrix protein 2; minus strand). Cytogenetic location: 11q13.1.
Variant type: single nucleotide variant.
Coding change: c.1036C>T on transcript NM_016938.5 (MANE Select); coding-DNA position 1036, C replaced by T.
Protein change: p.Arg346Cys; replaces arginine 346 with cysteine.
Molecular consequence: missense variant. On other transcripts: non-coding transcript variant (1).
Genome position (GRCh38, 1-based): chr11:65,867,995, G>A on the plus strand (C>T on the coding strand, the complement: EFEMP2 is on the minus strand). VCF-style: chr11-65867995-G-A. GRCh37 (hg19) VCF-style: chr11-65635466-G-A.
Other names: short protein forms R346C.
Identifiers: ClinVar variation 1772681 (VCV001772681.2), dbSNP rs1475825074, ClinGen allele CA381351993.

ClinVar aggregate classification (germline): Uncertain significance (1 of 4 stars; one submission).

Conditions:
Cardiovascular phenotype. Identifiers: MedGen CN230736.

gnomAD v4.1: 3 of 1,614,060 alleles (0.00019%); highest among the groups gnomAD compares: Admixed American, 0.0017%; no homozygotes.

Submission:

Ambry Genetics
Classification: Uncertain significance for Cardiovascular phenotype. Last evaluated: 2023-09-28. Review status: criteria provided, single submitter. Criteria: Ambry Variant Classification Scheme 2023. Collection method: clinical testing. Allele origin: germline.
Comment: The p.R346C variant (also known as c.1036C>T), located in coding exon 9 of the EFEMP2 gene, results from a C to T substitution at nucleotide position 1036. The arginine at codon 346 is replaced by cysteine, an amino acid with highly dissimilar properties. This amino acid position is conserved. In addition, this alteration is predicted to be deleterious by in silico analysis. Since supporting evidence is limited at this time, the clinical significance of this alteration remains unclear.